The following is an entry in ClinVar:

NM_004744.5(LRAT):c.541T>C (p.Phe181Leu)

Gene: LRAT (lecithin retinol acyltransferase; plus strand). Cytogenetic location: 4q32.1.
Variant type: single nucleotide variant.
Coding change: c.541T>C on transcript NM_004744.5 (MANE Select); coding-DNA position 541, T replaced by C.
Protein change: p.Phe181Leu; replaces phenylalanine 181 with leucine.
Molecular consequence: missense variant.
Genome position (GRCh38, 1-based): chr4:154,748,984, T>C. VCF-style: chr4-154748984-T-C. GRCh37 (hg19) VCF-style: chr4-155670136-T-C.
Other names: c.541T>C, p.Phe181Leu (NM_001301645.2); short protein forms F181L.
Identifiers: ClinVar variation 1369027 (VCV001369027.3), dbSNP rs2111038131, ClinGen allele CA358630926.

ClinVar aggregate classification (germline): Uncertain significance (1 of 4 stars; one submission).

Submission:

Labcorp Genetics (formerly Invitae), Labcorp
Classification: Uncertain significance. Last evaluated: 2022-02-09. Review status: criteria provided, single submitter. Criteria: Invitae Variant Classification Sherloc (09022015). Collection method: clinical testing. Allele origin: germline.
Comment: This sequence change replaces phenylalanine, which is neutral and non-polar, with leucine, which is neutral and non-polar, at codon 181 of the LRAT protein (p.Phe181Leu). This variant is not present in population databases (gnomAD no frequency). This variant has not been reported in the literature in individuals affected with LRAT-related conditions. Algorithms developed to predict the effect of missense changes on protein structure and function are either unavailable or do not agree on the potential impact of this missense change (SIFT: "Tolerated"; PolyPhen-2: "Possibly Damaging"; Align-GVGD: "Class C0"). In summary, the available evidence is currently insufficient to determine the role of this variant in disease. Therefore, it has been classified as a Variant of Uncertain Significance.